The following is an entry in ClinVar:

ClinVar aggregate classification (germline): Uncertain significance (1 of 4 stars; one submission).

Allele frequency attached by ClinVar (database versions not stated): gnomAD 0.00001.

Submission:

Labcorp Genetics (formerly Invitae), Labcorp
Classification: Uncertain significance. Last evaluated: 2025-12-15. Review status: criteria provided, single submitter. Criteria: Invitae Variant Classification Sherloc (09022015). Collection method: clinical testing. Allele origin: germline.
Comment: This sequence change replaces alanine, which is neutral and non-polar, with glutamic acid, which is acidic and polar, at codon 301 of the SOX11 protein (p.Ala301Glu). The frequency data for this variant in the population databases is considered unreliable, as metrics indicate poor data quality at this position in the gnomAD database. This variant has not been reported in the literature in individuals affected with SOX11-related conditions. ClinVar contains an entry for this variant (Variation ID: 1918160). Invitae Evidence Modeling of protein sequence and biophysical properties (such as structural, functional, and spatial information, amino acid conservation, physicochemical variation, residue mobility, and thermodynamic stability) indicates that this missense variant is not expected to disrupt SOX11 protein function with a negative predictive value of 95%. In summary, the available evidence is currently insufficient to determine the role of this variant in disease. Therefore, it has been classified as a Variant of Uncertain Significance.

NM_003108.4(SOX11):c.902C>A (p.Ala301Glu)

Gene: SOX11 (SRY-box transcription factor 11; plus strand). Cytogenetic location: 2p25.2.
Variant type: single nucleotide variant.
Coding change: c.902C>A on transcript NM_003108.4 (MANE Select); coding-DNA position 902, C replaced by A.
Protein change: p.Ala301Glu; replaces alanine 301 with glutamic acid.
Molecular consequence: missense variant.
Genome position (GRCh38, 1-based): chr2:5,693,623, C>A. VCF-style: chr2-5693623-C-A. GRCh37 (hg19) VCF-style: chr2-5833755-C-A.
Other names: short protein forms A301E.
Identifiers: ClinVar variation 1918160 (VCV001918160.5), dbSNP rs780798415, ClinGen allele CA1517944.